The following is an entry in ClinVar:

ClinVar aggregate classification (germline): Uncertain significance. Review status: criteria provided, multiple submitters, no conflicts (2 of 4 stars). 2 submissions from 2 submitters: Uncertain significance (2). Last evaluated 2025-11-15.

Conditions:
Hereditary cancer-predisposing syndrome. Also called: Neoplastic Syndromes, Hereditary; Hereditary neoplastic syndrome; Tumor predisposition; Hereditary Cancer Syndrome. Identifiers: Orphanet 140162, MedGen C0027672, MeSH D009386, MONDO:0015356.
Ataxia-telangiectasia syndrome (AT). Also called: Ataxia-telangiectasia, complementation group D; AT, COMPLEMENTATION GROUP C; Ataxia telangiectasia (A-T); Cerebello-oculocutaneous telangiectasia; Immunodeficiency with ataxia telangiectasia; Ataxia-telangiectasia. Identifiers: Orphanet 100, MedGen C0004135, MONDO:0008840, OMIM 208900.

Allele frequency attached by ClinVar (database versions not stated): gnomAD exomes below 0.00001.
gnomAD v4.1: 1 of 1,552,676 alleles (0.000064%); highest among the groups gnomAD compares: Non-Finnish European, 0.000089%; no homozygotes.

Submissions (2):

Ambry Genetics
Classification: Uncertain significance for Hereditary cancer-predisposing syndrome. Last evaluated: 2025-11-15. Review status: criteria provided, single submitter. Criteria: Ambry Variant Classification Scheme 2023. Collection method: clinical testing. Allele origin: germline.
Comment: The p.N1230D variant (also known as c.3688A>G), located in coding exon 24 of the ATM gene, results from an A to G substitution at nucleotide position 3688. The asparagine at codon 1230 is replaced by aspartic acid, an amino acid with highly similar properties. This amino acid position is conserved. In addition, this alteration is predicted to be tolerated by in silico analysis. Based on the available evidence, the clinical significance of this variant remains unclear.

Labcorp Genetics (formerly Invitae), Labcorp
Classification: Uncertain significance for Ataxia-telangiectasia syndrome. Last evaluated: 2024-03-12. Review status: criteria provided, single submitter. Criteria: Invitae Variant Classification Sherloc (09022015). Collection method: clinical testing. Allele origin: germline.
Comment: This sequence change replaces asparagine, which is neutral and polar, with aspartic acid, which is acidic and polar, at codon 1230 of the ATM protein (p.Asn1230Asp). This variant is not present in population databases (gnomAD no frequency). This variant has not been reported in the literature in individuals affected with ATM-related conditions. ClinVar contains an entry for this variant (Variation ID: 846169). An algorithm developed to predict the effect of missense changes on protein structure and function (PolyPhen-2) suggests that this variant is likely to be tolerated. In summary, the available evidence is currently insufficient to determine the role of this variant in disease. Therefore, it has been classified as a Variant of Uncertain Significance.

NM_000051.4(ATM):c.3688A>G (p.Asn1230Asp)

Gene: ATM (ATM serine/threonine kinase; plus strand). Cytogenetic location: 11q22.3.
Variant type: single nucleotide variant.
Coding change: c.3688A>G on transcript NM_000051.4 (MANE Select); coding-DNA position 3688, A replaced by G.
Protein change: p.Asn1230Asp; replaces asparagine 1230 with aspartic acid.
Molecular consequence: missense variant.
Genome position (GRCh38, 1-based): chr11:108,282,821, A>G. VCF-style: chr11-108282821-A-G. GRCh37 (hg19) VCF-style: chr11-108153548-A-G.
Other names: c.3688A>G, p.Asn1230Asp (NM_001351834.2); short protein forms N1230D.
Identifiers: ClinVar variation 846169 (VCV000846169.10), dbSNP rs2082303886, ClinGen allele CA382523436.
Genomic context (GRCh38, chr11:108,282,821, plus strand): 5'-ATGGCATCTCATTTAGATTATCTGGTTTTGGAATGGCTAAATCTTCAAGATACTGAATAC[A>G]ACTTATCTTCTTTTCCTTTTATTTTATTAAACTACACAAATATTGAGGATTTCTATAGGT-3'
Protein context (NP_000042.3, residues 1220-1240): EWLNLQDTEY[Asn1230Asp]LSSFPFILLN